The following is an entry in ClinVar:

NM_014921.5(ADGRL1):c.2967-19G>A

Genes: ADGRL1 (adhesion G protein-coupled receptor L1; minus strand), ADGRL1-AS1 (ADGRL1 antisense RNA 1; plus strand). Cytogenetic location: 19p13.12.
Variant type: single nucleotide variant.
Coding change: c.2967-19G>A on transcript NM_014921.5 (MANE Select); 19 bases into the intron before coding-DNA position 2967, G replaced by A.
Molecular consequence: intron variant.
Genome position (GRCh38, 1-based): chr19:14,156,743, C>T on the plus strand (G>A on the coding strand, the complement: ADGRL1 is on the minus strand). VCF-style: chr19-14156743-C-T. GRCh37 (hg19) VCF-style: chr19-14267555-C-T.
Other names: c.2982-19G>A (NM_001008701.3).
Identifiers: ClinVar variation 3629973 (VCV003629973.1).

ClinVar aggregate classification (germline): Uncertain significance (1 of 4 stars; one submission).

gnomAD v4.1: 10 of 1,602,820 alleles (0.00062%); highest among the groups gnomAD compares: African/African-American, 0.0081%; no homozygotes.

Submission:

Women's Health and Genetics/Laboratory Corporation of America, LabCorp
Classification: Uncertain significance. Last evaluated: 2024-11-20. Review status: criteria provided, single submitter. Criteria: LabCorp Variant Classification Summary - May 2015. Collection method: clinical testing. Allele origin: germline.
Comment: Variant summary: ADGRL1 c.2982-19G>A alters a non-conserved nucleotide located at a position not widely known to affect splicing. Several computational tools predict a significant impact on normal splicing: Three predict the variant creates a 3' acceptor site. However, these predictions have yet to be confirmed by functional studies. The variant allele was found at a frequency of 1.3e-05 in 230236 control chromosomes. The available data on variant occurrences in the general population are insufficient to allow any conclusion about variant significance. To our knowledge, no occurrence of c.2982-19G>A in individuals affected with Developmental Delay, Behavioral Abnormalities, And Neuropsychiatric Disorders and no experimental evidence demonstrating its impact on protein function have been reported. No submitters have cited clinical-significance assessments for this variant to ClinVar. Based on the evidence outlined above, the variant was classified as uncertain significance.